The following is an entry in ClinVar:

ClinVar aggregate classification (germline): Conflicting classifications of pathogenicity. Review status: criteria provided, conflicting classifications (1 of 4 stars). 6 submissions from 6 submitters: Uncertain significance (5); Benign (1). Last evaluated 2024-12-16.

Conditions:
Tuberous sclerosis 2 (TSC2). Identifiers: Orphanet 805, MedGen C1860707, MONDO:0013199, OMIM 613254.
Tuberous sclerosis syndrome (TSC). Also called: Tuberous sclerosis; Tuberous Sclerosis Complex. Identifiers: Orphanet 805, MedGen C0041341, MONDO:0001734.
Lymphangiomyomatosis (LAM). Also called: Lymphangioleiomyomatosis; Lymphangioleiomyomatosis, somatic. Identifiers: Orphanet 538, MedGen C0751674, MONDO:0011705, OMIM 606690.
Isolated focal cortical dysplasia type II (FCORD2). Also called: Focal cortical dysplasia type II; CORTICAL DYSPLASIA OF TAYLOR. Identifiers: Orphanet 268994, MedGen C1846385, MONDO:0011818, OMIM 607341, HP:0032051.
Hereditary cancer-predisposing syndrome. Also called: Neoplastic Syndromes, Hereditary; Hereditary neoplastic syndrome; Hereditary Cancer Syndrome; Tumor predisposition. Identifiers: Orphanet 140162, MedGen C0027672, MeSH D009386, MONDO:0015356.

Allele frequency attached by ClinVar (database versions not stated): gnomAD exomes below 0.00001; ExAC 0.00001; gnomAD 0.00001.
gnomAD v4.1: 5 of 1,612,938 alleles (0.00031%); highest among the groups gnomAD compares: East Asian, 0.0045%; no homozygotes.

Submissions (6):

Ambry Genetics
Classification: Uncertain significance for Hereditary cancer-predisposing syndrome. Last evaluated: 2024-12-16. Review status: criteria provided, single submitter. Criteria: Ambry Variant Classification Scheme 2023. Collection method: clinical testing. Allele origin: germline.
Comment: The p.E973K variant (also known as c.2917G>A), located in coding exon 25 of the TSC2 gene, results from a G to A substitution at nucleotide position 2917. The glutamic acid at codon 973 is replaced by lysine, an amino acid with similar properties. This alteration was detected in a population of 290 individuals with non-syndromic autism as well as a population of 300 matched controls (Kelleher RJ et al. PLoS ONE, 2012 Apr;7:e35003). This amino acid position is not well conserved in available vertebrate species. In addition, the in silico prediction for this alteration is inconclusive. Since supporting evidence is limited at this time, the clinical significance of this alteration remains unclear.

Labcorp Genetics (formerly Invitae), Labcorp
Classification: Benign for Tuberous sclerosis 2. Last evaluated: 2024-05-06. Review status: criteria provided, single submitter. Criteria: Invitae Variant Classification Sherloc (09022015). Collection method: clinical testing. Allele origin: germline.

All of Us Research Program, National Institutes of Health
Classification: Uncertain significance for Tuberous sclerosis syndrome. Last evaluated: 2023-06-26. Review status: criteria provided, single submitter. Criteria: ACMG Guidelines, 2015. Collection method: clinical testing. Allele origin: germline. Inheritance: Autosomal dominant inheritance. Observed: 1 variant allele, 1 heterozygote.
Comment: This missense variant replaces glutamic acid with lysine at codon 973 of the TSC2 protein. Computational prediction suggests that this variant may not impact protein structure and function (internally defined REVEL score threshold <= 0.5, PMID: 27666373). To our knowledge, functional studies have not been reported for this variant. This variant has not been reported in individuals affected with TSC2-related disorders in the literature. This variant has been identified in 1/250670 chromosomes in the general population by the Genome Aggregation Database (gnomAD). The available evidence is insufficient to determine the role of this variant in disease conclusively. Therefore, this variant is classified as a Variant of Uncertain Significance.

This study involves interpretation of variants in research participants for the purpose of population health screening. Participant phenotype was not available at the time of variant classification. Additional details can be found in publication PMID: 35346344, PMCID: PMC8962531

Fulgent Genetics
Classification: Uncertain significance for Lymphangiomyomatosis; Isolated focal cortical dysplasia type II; Tuberous sclerosis 2. Last evaluated: 2022-05-04. Review status: criteria provided, single submitter. Criteria: ACMG Guidelines, 2015. Collection method: clinical testing. Allele origin: unknown.

Genome-Nilou Lab
Classification: Uncertain significance for Tuberous sclerosis 2. Last evaluated: 2021-11-07. Review status: criteria provided, single submitter. Criteria: ACMG Guidelines, 2015. Collection method: clinical testing. Allele origin: germline. Affected: no.

GeneDx
Classification: Uncertain significance. Last evaluated: 2020-01-08. Review status: criteria provided, single submitter. Criteria: GeneDx Variant Classification Process June 2021. Collection method: clinical testing. Allele origin: germline. Affected: yes.
Comment: In silico analysis, which includes protein predictors and evolutionary conservation, supports that this variant does not alter protein structure/function; Reported previously in a large autism susceptibility study as a presumed benign variant, identified both in individuals with autism and the control population. No additional clinical information was provided (Kelleher et al., 2012); This variant is associated with the following publications: (PMID: 22558107)

Literature cited by the submitters: PubMed 22558107 (cited by Ambry Genetics).

NM_000548.5(TSC2):c.2917G>A (p.Glu973Lys)

Gene: TSC2 (TSC complex subunit 2; plus strand). Cytogenetic location: 16p13.3.
Variant type: single nucleotide variant.
Coding change: c.2917G>A on transcript NM_000548.5 (MANE Select); coding-DNA position 2917, G replaced by A.
Protein change: p.Glu973Lys; replaces glutamic acid 973 with lysine.
Molecular consequence: missense variant. On other transcripts: intron variant (9).
Genome position (GRCh38, 1-based): chr16:2,077,677, G>A. VCF-style: chr16-2077677-G-A. GRCh37 (hg19) VCF-style: chr16-2127678-G-A.
Other names: c.2917G>A, p.Glu973Lys (NM_001114382.3); c.2837+1092G>A (NM_021055.3, NM_001370405.1, NM_001363528.2 and 2 more transcripts); c.2726+1092G>A (NM_001318827.2); c.2237+1092G>A (NM_001318831.2); c.2690+1092G>A (NM_001318829.2); c.2870+1092G>A (NM_001318832.2); short protein forms E973K.
Identifiers: ClinVar variation 654833 (VCV000654833.16), dbSNP rs780981335, ClinGen allele CA042754.
Genomic context (GRCh38, chr16:2,077,677, plus strand): 5'-CCCAAACAAGGCTTGAATAACTCTCCACCCGTGAAAGAATTCAAGGAGAGCTCTGCAGCC[G>A]AGGCCTTCCGGTGCCGCAGCATCAGTGTGTCTGAACATGTGGTCCGCAGGTAGCGGGACT-3'
Protein context (NP_000539.2, residues 963-983): VKEFKESSAA[Glu973Lys]AFRCRSISVS